The following is an entry in ClinVar:

NM_000376.3(VDR):c.634T>A (p.Ser212Thr)

Gene: VDR (vitamin D receptor; minus strand). Cytogenetic location: 12q13.11.
Variant type: single nucleotide variant.
Coding change: c.634T>A on transcript NM_000376.3 (MANE Select); coding-DNA position 634, T replaced by A.
Protein change: p.Ser212Thr; replaces serine 212 with threonine.
Molecular consequence: missense variant.
Genome position (GRCh38, 1-based): chr12:47,855,751, A>T on the plus strand (T>A on the coding strand, the complement: VDR is on the minus strand). VCF-style: chr12-47855751-A-T. GRCh37 (hg19) VCF-style: chr12-48249534-A-T.
Other names: c.634T>A, p.Ser212Thr (NM_001017535.2, NM_001364085.2, NM_001374661.1 and 1 more transcripts); c.784T>A, p.Ser262Thr (NM_001017536.2); short protein forms S262T, S212T.
Identifiers: ClinVar variation 1508246 (VCV001508246.5), dbSNP rs775321091, ClinGen allele CA6533882.

ClinVar aggregate classification (germline): Uncertain significance (1 of 4 stars; one submission).

Allele frequency attached by ClinVar (database versions not stated): gnomAD 0.00001; gnomAD exomes 0.00001 and 0.00003; ExAC 0.00002; 1000 Genomes Project 30x 0.00016.
gnomAD v4.1: 18 of 1,614,182 alleles (0.0011%); highest among the groups gnomAD compares: South Asian, 0.018%; 1 homozygote.

Submission:

Labcorp Genetics (formerly Invitae), Labcorp
Classification: Uncertain significance. Last evaluated: 2021-08-28. Review status: criteria provided, single submitter. Criteria: Invitae Variant Classification Sherloc (09022015). Collection method: clinical testing. Allele origin: germline.
Comment: This sequence change replaces serine with threonine at codon 212 of the VDR protein (p.Ser212Thr). The serine residue is moderately conserved and there is a small physicochemical difference between serine and threonine. This variant is present in population databases (rs775321091, ExAC 0.02%). This variant has not been reported in the literature in individuals affected with VDR-related conditions. Algorithms developed to predict the effect of missense changes on protein structure and function (SIFT, PolyPhen-2, Align-GVGD) all suggest that this variant is likely to be tolerated. In summary, the available evidence is currently insufficient to determine the role of this variant in disease. Therefore, it has been classified as a Variant of Uncertain Significance.